The following is an entry in ClinVar:

ClinVar aggregate classification (germline): Uncertain significance. Review status: criteria provided, single submitter (1 of 4 stars). 2 submissions from 2 submitters: Uncertain significance (1). 1 of the submissions does not count toward it. Last evaluated 2022-05-07.

Conditions:
Glutaric acidemia type 2A.
Multiple acyl-CoA dehydrogenase deficiency (MADD). Also called: Glutaric aciduria, type 2; ETHYLMALONIC-ADIPICACIDURIA; GA II; Glutaric Acidemia type 2; Glutaric acidemia type II; GA 2. Identifiers: Orphanet 26791, MedGen C0268596, MONDO:0009282, OMIM 231680.

Allele frequency attached by ClinVar (database versions not stated): gnomAD exomes below 0.00001; ExAC 0.00001; gnomAD 0.00001; TOPMed 0.00001; ESP Exome Variant Server 0.00008.
gnomAD v4.1: 6 of 1,613,610 alleles (0.00037%); highest among the groups gnomAD compares: Admixed American, 0.0033%; no homozygotes.

Submissions (2):

Labcorp Genetics (formerly Invitae), Labcorp
Classification: Uncertain significance for Multiple acyl-CoA dehydrogenase deficiency. Last evaluated: 2022-05-07. Review status: criteria provided, single submitter. Criteria: Invitae Variant Classification Sherloc (09022015). Collection method: clinical testing. Allele origin: germline.
Comment: This sequence change replaces arginine, which is basic and polar, with histidine, which is basic and polar, at codon 169 of the ETFA protein (p.Arg169His). This variant is present in population databases (rs375660532, gnomAD 0.0009%). This variant has not been reported in the literature in individuals affected with ETFA-related conditions. ClinVar contains an entry for this variant (Variation ID: 967782). Algorithms developed to predict the effect of missense changes on protein structure and function (SIFT, PolyPhen-2, Align-GVGD) all suggest that this variant is likely to be disruptive. In summary, the available evidence is currently insufficient to determine the role of this variant in disease. Therefore, it has been classified as a Variant of Uncertain Significance.

Natera, Inc.
Classification: Uncertain significance for Glutaric acidemia type 2A. Last evaluated: 2020-02-13. Review status: no assertion criteria provided. Collection method: clinical testing. Allele origin: germline. Not counted in ClinVar's aggregate classification.

NM_000126.4(ETFA):c.506G>A (p.Arg169His)

Gene: ETFA (electron transfer flavoprotein subunit alpha; minus strand). Cytogenetic location: 15q24.2.
Variant type: single nucleotide variant.
Coding change: c.506G>A on transcript NM_000126.4 (MANE Select); coding-DNA position 506, G replaced by A.
Protein change: p.Arg169His; replaces arginine 169 with histidine.
Molecular consequence: missense variant.
Genome position (GRCh38, 1-based): chr15:76,286,427, C>T on the plus strand (G>A on the coding strand, the complement: ETFA is on the minus strand). VCF-style: chr15-76286427-C-T. GRCh37 (hg19) VCF-style: chr15-76578768-C-T.
Other names: c.359G>A, p.Arg120His (NM_001127716.2); short protein forms R169H, R120H.
Identifiers: ClinVar variation 967782 (VCV000967782.4), dbSNP rs375660532, ClinGen allele CA7673743.